The following is an entry in ClinVar:

NM_000878.5(IL2RB):c.270C>A (p.Leu90=)

Gene: IL2RB (interleukin 2 receptor subunit beta; minus strand). Cytogenetic location: 22q12.3.
Variant type: single nucleotide variant.
Coding change: c.270C>A on transcript NM_000878.5 (MANE Select); coding-DNA position 270, C replaced by A.
Protein change: p.Leu90=; no amino-acid change (leucine 90 retained).
Molecular consequence: synonymous variant.
Genome position (GRCh38, 1-based): chr22:37,142,446, G>T on the plus strand (C>A on the coding strand, the complement: IL2RB is on the minus strand). VCF-style: chr22-37142446-G-T. GRCh37 (hg19) VCF-style: chr22-37538486-G-T.
Other names: c.270C>A, p.Leu90= (NM_001346222.1, NM_001346223.2).
Identifiers: ClinVar variation 2898836 (VCV002898836.3), dbSNP rs760939018, ClinGen allele CA514494576.

ClinVar aggregate classification (germline): Uncertain significance (1 of 4 stars; one submission).

gnomAD v4.1: 1 of 1,614,086 alleles (0.000062%); highest among the groups gnomAD compares: Non-Finnish European, 0.000085%; no homozygotes.

Submission:

Labcorp Genetics (formerly Invitae), Labcorp
Classification: Uncertain significance. Last evaluated: 2024-04-15. Review status: criteria provided, single submitter. Criteria: Invitae Variant Classification Sherloc (09022015). Collection method: clinical testing. Allele origin: germline.
Comment: This sequence change affects codon 90 of the IL2RB mRNA. It is a 'silent' change, meaning that it does not change the encoded amino acid sequence of the IL2RB protein. This variant is not present in population databases (gnomAD no frequency). This variant has not been reported in the literature in individuals affected with IL2RB-related conditions. Algorithms developed to predict the effect of sequence changes on RNA splicing suggest that this variant may disrupt the consensus splice site. In summary, the available evidence is currently insufficient to determine the role of this variant in disease. Therefore, it has been classified as a Variant of Uncertain Significance.